The following is an entry in ClinVar:

NM_198253.3(TERT):c.560C>T (p.Pro187Leu)

Gene: TERT (telomerase reverse transcriptase; minus strand). Cytogenetic location: 5p15.33.
Variant type: single nucleotide variant.
Coding change: c.560C>T on transcript NM_198253.3 (MANE Select); coding-DNA position 560, C replaced by T.
Protein change: p.Pro187Leu; replaces proline 187 with leucine.
Molecular consequence: missense variant. On other transcripts: non-coding transcript variant (2).
Genome position (GRCh38, 1-based): chr5:1,294,326, G>A on the plus strand (C>T on the coding strand, the complement: TERT is on the minus strand). VCF-style: chr5-1294326-G-A. GRCh37 (hg19) VCF-style: chr5-1294441-G-A.
Other names: c.560C>T, p.Pro187Leu (NM_001193376.3); c.560C>T (NM_198253.2); short protein forms P187L.
Identifiers: ClinVar variation 1476526 (VCV001476526.42), dbSNP rs906128293, ClinGen allele CA359057493.

ClinVar aggregate classification (germline): Uncertain significance. Review status: criteria provided, multiple submitters, no conflicts (2 of 4 stars). 2 submissions from 2 submitters: Uncertain significance (2). Last evaluated 2025-07-09.

Conditions:
Dyskeratosis congenita, autosomal dominant 2. Identifiers: MedGen C3151443, MONDO:0013521, OMIM 613989.
Idiopathic Pulmonary Fibrosis. Also called: Idiopathic fibrosing alveolitis, chronic form; idiopathic fibrosing alveolitis. Identifiers: Orphanet 2032, MedGen C1800706, MeSH D054990, MONDO:0800504.
Dyskeratosis congenita. Identifiers: Orphanet 1775, MedGen C0265965, MONDO:0015780.

Allele frequency attached by ClinVar (database versions not stated): gnomAD exomes below 0.00001.
gnomAD v4.1: 1 of 1,583,548 alleles (0.000063%); highest among the groups gnomAD compares: Non-Finnish European, 0.000085%; no homozygotes.

Submissions (2):

Ambry Genetics
Classification: Uncertain significance for Dyskeratosis congenita. Last evaluated: 2025-07-09. Review status: criteria provided, single submitter. Criteria: Ambry Variant Classification Scheme 2023. Collection method: clinical testing. Allele origin: germline.
Comment: The p.P187L variant (also known as c.560C>T), located in coding exon 2 of the TERT gene, results from a C to T substitution at nucleotide position 560. The proline at codon 187 is replaced by leucine, an amino acid with similar properties. This amino acid position is conserved. In addition, this alteration is predicted to be tolerated by in silico analysis. Based on the available evidence, the clinical significance of this variant remains unclear.

Labcorp Genetics (formerly Invitae), Labcorp
Classification: Uncertain significance for Dyskeratosis congenita, autosomal dominant 2; Idiopathic Pulmonary Fibrosis. Last evaluated: 2021-11-06. Review status: criteria provided, single submitter. Criteria: Invitae Variant Classification Sherloc (09022015). Collection method: clinical testing. Allele origin: germline.
Comment: This sequence change replaces proline, which is neutral and non-polar, with leucine, which is neutral and non-polar, at codon 187 of the TERT protein (p.Pro187Leu). This variant is not present in population databases (gnomAD no frequency). This variant has not been reported in the literature in individuals affected with TERT-related conditions. Advanced modeling of protein sequence and biophysical properties (such as structural, functional, and spatial information, amino acid conservation, physicochemical variation, residue mobility, and thermodynamic stability) performed at Invitae indicates that this missense variant is not expected to disrupt TERT protein function. In summary, the available evidence is currently insufficient to determine the role of this variant in disease. Therefore, it has been classified as a Variant of Uncertain Significance.